The following is an entry in ClinVar:

NM_000091.5(COL4A3):c.2657-1G>A

Genes: COL4A3 (collagen type IV alpha 3 chain; plus strand), MFF-DT (MFF divergent transcript; minus strand). Cytogenetic location: 2q36.3.
Variant type: single nucleotide variant.
Coding change: c.2657-1G>A on transcript NM_000091.5 (MANE Select); the canonical splice acceptor site of the intron before coding-DNA position 2657, G replaced by A.
Molecular consequence: splice acceptor variant.
Genome position (GRCh38, 1-based): chr2:227,283,766, G>A. VCF-style: chr2-227283766-G-A. GRCh37 (hg19) VCF-style: chr2-228148482-G-A.
Identifiers: ClinVar variation 3147591 (VCV003147591.5), dbSNP rs373324875, ClinGen allele CA66600691.

ClinVar aggregate classification (germline): Conflicting classifications of pathogenicity. Review status: criteria provided, conflicting classifications (1 of 4 stars). 4 submissions from 4 submitters: Pathogenic (1); Likely pathogenic (2); Uncertain significance (1). Last evaluated 2026-03-20.

Conditions:
Alport syndrome. Also called: Hemorrhagic familial nephritis; Hemorrhagic hereditary nephritis; Congenital hereditary hematuria. Identifiers: Orphanet 63, MedGen C1567741, MONDO:0018965.
Autosomal dominant Alport syndrome (ATS3A). Also called: Alport syndrome dominant type; Renal failure and sensorineural hearing loss; ALPORT SYNDROME 3A, AUTOSOMAL DOMINANT. Identifiers: Orphanet 63, Orphanet 88918, MedGen C5882663, MONDO:0007086, OMIM 104200.
Alport syndrome 3b, autosomal recessive. Identifiers: MedGen C5882699, MONDO:0957811, OMIM 620536.
Hematuria, benign familial, 2 (BFH2). Identifiers: MedGen C5830421, MONDO:0958186, OMIM 620320.
Inborn genetic diseases. Identifiers: MedGen C0950123, MeSH D030342.

Submissions (4):

Centre de Génétique Humaine, Institut de Pathologie Et de Génétique
Classification: Pathogenic for Hematuria, benign familial, 2. Last evaluated: 2026-03-20. Review status: criteria provided, single submitter. Criteria: ACMG Guidelines, 2015. Collection method: clinical testing. Allele origin: paternal. Inheritance: Autosomal dominant inheritance. Affected: yes. Observed: 1 variant allele, 1 heterozygote. Segregation with disease observed.
Comment: Variant located in the canonical acceptor splice site of intron 32 (PVS1). Another variant affecting the same nucleotide described c.2657-1G>T, PMID: 25307543 (PM1). This variant is rare: absent in gnomAD v4.1.0 database (PM2). Described in patients with AD Alport S (PP5)

Victorian Clinical Genetics Services, Murdoch Childrens Research Institute
Classification: Likely pathogenic for Alport syndrome. Last evaluated: 2024-10-20. Review status: criteria provided, single submitter. Criteria: ACMG Guidelines, 2015. Collection method: clinical testing. Allele origin: germline. Affected: yes.
Comment: This variant is classified as Likely pathogenic. Evidence in support of pathogenic classification: Canonical splice site variant without proven consequence on splicing (no functional evidence available); Variant is absent from gnomAD (v2, v3 and v4); This variant has limited evidence for segregation with disease. This variant has segregated with disease in a family with Alport syndrome (PMID: 34222438); Other splice site variant(s) comparable to the one identified in this case have moderate previous evidence for pathogenicity. c.2657-1G>C has been classified as pathogenic in ClinVar, and c.2657-1G>T has been classified as likely pathogenic and a VUS in ClinVar. c.2657-1G>T has also been observed in a heterozygous individual with COL4A3-related symptoms (PMID: 25307543); Abnormal splicing is predicted by in silico tool and affected nucleotide is highly conserved. Additional information: This variant is heterozygous; This gene is associated with both recessive (Alport syndrome 3B (MIM#620536)) and dominant disease (Alport syndrome 3A (MIM#104200)) (OMIM); Previous evidence of pathogenicity for this variant is inconclusive. This variant has been classified as a VUS in ClinVar. This variant has also been observed in one family with Alport syndrome (PMID: 34222438); No published functional evidence has been identified for this variant; Dominant negative and loss of function are known mechanisms of disease in this gene and are associated with Alport syndrome (MONDO:0018965), COL4A3-related. Glycine changes that are part of a G-X-Y repeat in the triple helix of a collagen domain are known to have a dominant negative effect (PMID: 12028435); Inheritance information for this variant is not currently available in this individual.

Fulgent Genetics
Classification: Likely pathogenic for Autosomal dominant Alport syndrome; Hematuria, benign familial, 2; Alport syndrome 3b, autosomal recessive. Last evaluated: 2024-02-29. Review status: criteria provided, single submitter. Criteria: ACMG Guidelines, 2015. Collection method: clinical testing. Allele origin: germline.

Ambry Genetics
Classification: Uncertain significance for Inborn genetic diseases. Last evaluated: 2024-01-23. Review status: criteria provided, single submitter. Criteria: Ambry Variant Classification Scheme 2023. Collection method: clinical testing. Allele origin: germline.
Comment: The c.2657-1G>A intronic variant results from a G to A substitution one nucleotide before exon 33 of the COL4A3 gene. The resulting transcript is predicted to be in-frame and is not expected to trigger nonsense-mediated mRNA decay; however, direct evidence is unavailable. The exact functional effect of the altered amino acid sequence is unknown. Based on insufficient or conflicting evidence, the clinical significance of this alteration remains unclear.

Literature cited by the submitters: PubMed 34222438 (cited by Centre de Génétique Humaine, Institut de Pathologie Et de Génétique and Victorian Clinical Genetics Services, Murdoch Childrens Research Institute); PubMed 40044766 (cited by Centre de Génétique Humaine, Institut de Pathologie Et de Génétique); PubMed 12028435 (cited by Victorian Clinical Genetics Services, Murdoch Childrens Research Institute); PubMed 25307543 (cited by Victorian Clinical Genetics Services, Murdoch Childrens Research Institute).